The following is an entry in ClinVar:

NM_194279.4(ISCA2):c.314G>T (p.Arg105Ile)

Gene: ISCA2 (iron-sulfur cluster assembly 2; plus strand). Cytogenetic location: 14q24.3.
Variant type: single nucleotide variant.
Coding change: c.314G>T on transcript NM_194279.4 (MANE Select); coding-DNA position 314, G replaced by T.
Protein change: p.Arg105Ile; replaces arginine 105 with isoleucine.
Molecular consequence: missense variant. On other transcripts: 3 prime UTR variant (1).
Genome position (GRCh38, 1-based): chr14:74,494,849, G>T. VCF-style: chr14-74494849-G-T. GRCh37 (hg19) VCF-style: chr14-74961552-G-T.
Other names: p.Arg105Ile; c.*15G>T (NM_001272007.2); short protein forms R105I.
Identifiers: ClinVar variation 2628077 (VCV002628077.2), dbSNP rs2506120663, ClinGen allele CA390379962.

ClinVar aggregate classification (germline): Uncertain significance (1 of 4 stars; one submission).

Conditions:
Multiple mitochondrial dysfunctions syndrome 4 (MMDS4). Also called: ISCA2-Related Mitochondrial Disorder. Identifiers: Orphanet 457406, MedGen C4225348, MONDO:0014611, OMIM 616370.

Submission:

Foundation for Research in Genetics and Endocrinology, FRIGE's Institute of Human Genetics
Classification: Uncertain significance for Multiple mitochondrial dysfunctions syndrome 4. Last evaluated: 2023-09-20. Review status: criteria provided, single submitter. Criteria: ACMG Guidelines, 2015. Collection method: clinical testing. Allele origin: germline. Inheritance: Autosomal recessive inheritance. Affected: yes. Observed: 1 homozygote.
Comment: A homozygous missense variant in exon 4 of the ISCA2 gene that results in the amino acid substitution of Isoleucine for Arginine at codon 105 (p.Arg105Ile) was detected. The p.Arg105Ile variant has not been reported in the 1000 genomes, gnomAD (v3.1), gnomdAD (v2) and topmed databases. The in silico predictions of the variant are possibly damaging by PolyPhen-2 (HumDiv) and damaging by SIFT and LRT. The reference codon is conserved across species. In summary, the variant meets our criteria to be classified as variant of uncertain significance.